The following is an entry in ClinVar:

ClinVar aggregate classification (germline): Uncertain significance (1 of 4 stars; one submission).

Conditions:
Hydrolethalus syndrome 1 (HLS1). Identifiers: Orphanet 2189, MedGen C1856016, MONDO:0009365, OMIM 236680.

Submission:

Myriad Genetics, Inc.
Classification: Uncertain significance for Hydrolethalus syndrome 1. Last evaluated: 2025-11-04. Review status: criteria provided, single submitter. Criteria: Myriad Autosomal Dominant, Autosomal Recessive and X-Linked Classification Criteria (2023). Collection method: clinical testing. Allele origin: unknown.
Comment: NM_145014.2(HYLS1):c.766C>T(Q256*) is a missense variant classified as a variant of uncertain significance in the context of hydrolethalus syndrome. Q256* has not been observed in cases with relevant disease. Relevant functional assessments of this variant are not available in the literature. Q256* has not been observed in referenced population frequency databases. In summary, there is insufficient evidence to classify NM_145014.2(HYLS1):c.766C>T(Q256*) as pathogenic or benign. Please note: this variant was assessed in the context of healthy population screening.

NM_001134793.2(HYLS1):c.766C>T (p.Gln256Ter)

Genes: HYLS1 (HYLS1 centriolar and ciliogenesis associated; plus strand), PUS3 (pseudouridine synthase 3; minus strand). Cytogenetic location: 11q24.2.
Variant type: single nucleotide variant.
Coding change: c.766C>T on transcript NM_001134793.2 (MANE Select); coding-DNA position 766, C replaced by T.
Protein change: p.Gln256Ter; replaces glutamine 256 with a stop codon.
Molecular consequence: nonsense. On other transcripts: intron variant (7).
Genome position (GRCh38, 1-based): chr11:125,900,134, C>T. VCF-style: chr11-125900134-C-T. GRCh37 (hg19) VCF-style: chr11-125770029-C-T.
Other names: c.766C>T, p.Gln256Ter (NM_001377269.1, NM_001377270.1, NM_001424364.1 and 1 more transcripts); c.-247+3036G>A (NM_001271985.2); c.-47+3036G>A (NM_001441241.1, NM_001441239.1, NM_031307.4); c.-247+545G>A (NM_001441238.1); c.-47+545G>A (NM_001441240.1, NM_001441237.1); short protein forms Q256*.
Identifiers: ClinVar variation 5003512 (VCV005003512.1).